The following is an entry in ClinVar:

ClinVar aggregate classification (germline): Likely pathogenic (1 of 4 stars; one submission).

Conditions:
Argininosuccinate lyase deficiency. Also called: ARGININOSUCCINIC ACID LYASE DEFICIENCY; ASL DEFICIENCY; Argininosuccinic aciduria. Identifiers: Orphanet 23, MedGen C0268547, MONDO:0008815, OMIM 207900, HP:0025630.

Submission:

Myriad Genetics, Inc.
Classification: Likely pathogenic for Argininosuccinate lyase deficiency. Last evaluated: 2022-03-30. Review status: criteria provided, single submitter. Criteria: Myriad Women's Health Autosomal Recessive and X-Linked Classification Criteria (2021). Collection method: clinical testing. Allele origin: unknown.
Comment: NM_001024943.1(ASL):c.143delG(G48Afs*20) is expected to be pathogenic in the context of argininosuccinic aciduria. This variant is predicted to lead to an abnormal or absent protein product due to the creation of a premature termination codon in ASL, a gene where loss-of-function variants are known to be pathogenic. Please note: this variant was assessed in the context of healthy population screening.

NM_000048.4(ASL):c.143del (p.Gly48fs)

Gene: ASL (argininosuccinate lyase; plus strand). Cytogenetic location: 7q11.21.
Variant type: Deletion.
Coding change: c.143del on transcript NM_000048.4 (MANE Select); coding-DNA position 143, one base deleted (G; older notation c.143delG).
Protein change: p.Gly48fs; shifts the reading frame from glycine 48.
Molecular consequence: frameshift variant.
Genome position (GRCh38, 1-based): chr7:66,081,933, G deleted; the last of 4 consecutive G bases (chr7:66,081,930-66,081,933); deleting any one gives the same sequence. VCF-style (leftmost placement, unchanged base first): chr7-66081929-AG-A. GRCh37 (hg19) VCF-style: chr7-65546916-AG-A.
Other names: c.143del, p.Gly48fs (NM_001024943.2, NM_001024944.2, NM_001024946.2); short protein forms G48fs.
Identifiers: ClinVar variation 1725642 (VCV001725642.2), dbSNP rs2484993833, ClinGen allele CA2580077285.